The following is an entry in ClinVar:

ClinVar aggregate classification (germline): Uncertain significance. Review status: criteria provided, multiple submitters, no conflicts (2 of 4 stars). 2 submissions from 2 submitters: Uncertain significance (2). Last evaluated 2023-01-09.

Conditions:
Hereditary cancer-predisposing syndrome. Also called: Tumor predisposition; Neoplastic Syndromes, Hereditary; Hereditary Cancer Syndrome; Hereditary neoplastic syndrome. Identifiers: Orphanet 140162, MedGen C0027672, MeSH D009386, MONDO:0015356.
Birt-Hogg-Dube syndrome. Also called: Birt Hogg Dubé syndrome. Identifiers: Orphanet 122, MedGen C0346010, MONDO:0800444.

Submissions (2):

Labcorp Genetics (formerly Invitae), Labcorp
Classification: Uncertain significance for Birt-Hogg-Dube syndrome. Last evaluated: 2023-01-09. Review status: criteria provided, single submitter. Criteria: Invitae Variant Classification Sherloc (09022015). Collection method: clinical testing. Allele origin: germline.
Comment: In summary, the available evidence is currently insufficient to determine the role of this variant in disease. Therefore, it has been classified as a Variant of Uncertain Significance. Advanced modeling of protein sequence and biophysical properties (such as structural, functional, and spatial information, amino acid conservation, physicochemical variation, residue mobility, and thermodynamic stability) performed at Invitae indicates that this missense variant is not expected to disrupt FLCN protein function. ClinVar contains an entry for this variant (Variation ID: 1771638). This variant has not been reported in the literature in individuals affected with FLCN-related conditions. This variant is not present in population databases (gnomAD no frequency). This sequence change replaces phenylalanine, which is neutral and non-polar, with leucine, which is neutral and non-polar, at codon 465 of the FLCN protein (p.Phe465Leu).

Ambry Genetics
Classification: Uncertain significance for Hereditary cancer-predisposing syndrome. Last evaluated: 2021-11-20. Review status: criteria provided, single submitter. Criteria: Ambry Variant Classification Scheme 2023. Collection method: clinical testing. Allele origin: germline.
Comment: The p.F465L variant (also known as c.1395T>G), located in coding exon 9 of the FLCN gene, results from a T to G substitution at nucleotide position 1395. The phenylalanine at codon 465 is replaced by leucine, an amino acid with highly similar properties. This amino acid position is highly conserved in available vertebrate species. In addition, the in silico prediction for this alteration is inconclusive. Since supporting evidence is limited at this time, the clinical significance of this alteration remains unclear.

NM_144997.7(FLCN):c.1395T>G (p.Phe465Leu)

Gene: FLCN (folliculin; minus strand). Cytogenetic location: 17p11.2.
Variant type: single nucleotide variant.
Coding change: c.1395T>G on transcript NM_144997.7 (MANE Select); coding-DNA position 1395, T replaced by G.
Protein change: p.Phe465Leu; replaces phenylalanine 465 with leucine.
Molecular consequence: missense variant.
Genome position (GRCh38, 1-based): chr17:17,215,222, A>C on the plus strand (T>G on the coding strand, the complement: FLCN is on the minus strand). VCF-style: chr17-17215222-A-C. GRCh37 (hg19) VCF-style: chr17-17118536-A-C.
Other names: c.1449T>G, p.Phe483Leu (NM_001353229.2); c.1395T>G, p.Phe465Leu (NM_001353230.2, NM_001353231.2); short protein forms F483L, F465L.
Identifiers: ClinVar variation 1771638 (VCV001771638.5), dbSNP rs2544145822, ClinGen allele CA398531208.